The following is an entry in ClinVar:

ClinVar aggregate classification (germline): Likely benign (0 of 4 stars; one submission).

Conditions:
KIR2DL1-related disorder. Also called: KIR2DL1-related condition.

Allele frequency attached by ClinVar (database versions not stated): ExAC 0.00015; gnomAD exomes 0.14082; 1000 Genomes Project 30x 0.26062.

Submission:

PreventionGenetics, part of Exact Sciences
Classification: Likely benign for KIR2DL1-related condition. Last evaluated: 2022-02-28. Review status: no assertion criteria provided. Collection method: clinical testing. Allele origin: germline.
Comment: This variant is classified as likely benign based on ACMG/AMP sequence variant interpretation guidelines (Richards et al. 2015 PMID: 25741868, with internal and published modifications).

NM_014218.3(KIR2DL1):c.419T>A (p.Leu140Gln)

Gene: KIR2DL1 (killer cell immunoglobulin like receptor, two Ig domains and long cytoplasmic tail 1). Cytogenetic location: 19q13.42.
Variant type: single nucleotide variant.
Coding change: c.419T>A on transcript NM_014218.3 (MANE Select); coding-DNA position 419, T replaced by A.
Protein change: p.Leu140Gln; replaces leucine 140 with glutamine.
Molecular consequence: missense variant.
Genome position (GRCh38, 1-based): chr19:54,775,213, T>A. VCF-style: chr19-54775213-T-A. GRCh37 (hg19) VCF-style: chr19-55286665-T-A.
Other names: short protein forms L140Q.
Identifiers: ClinVar variation 3061018 (VCV003061018.2), dbSNP rs199644153, ClinGen allele CA309886104.
Genomic context (GRCh38, chr19:54,775,213, plus strand): 5'-TTCTCCTTCCAGGTCTATATGAGAAACCTTCTCTCTCAGCCCAGCTGGGCCCCACGGTTC[T>A]GGCAGGAGAGAATGTGACCTTGTCCTGCAGCTCCCGGAGCTCCTATGACATGTACCATCT-3'
Protein context (NP_055033.2, residues 130-150): SLSAQLGPTV[Leu140Gln]AGENVTLSCS